The following is an entry in ClinVar:

NM_000287.4(PEX6):c.2806+6C>T

Gene: PEX6 (peroxisomal biogenesis factor 6; minus strand). Cytogenetic location: 6p21.1.
Variant type: single nucleotide variant.
Coding change: c.2806+6C>T on transcript NM_000287.4 (MANE Select); 6 bases into the intron after coding-DNA position 2806, C replaced by T.
Molecular consequence: intron variant.
Genome position (GRCh38, 1-based): chr6:42,964,784, G>A on the plus strand (C>T on the coding strand, the complement: PEX6 is on the minus strand). VCF-style: chr6-42964784-G-A. GRCh37 (hg19) VCF-style: chr6-42932522-G-A.
Other names: c.2542+6C>T (NM_001316313.2).
Identifiers: ClinVar variation 2161894 (VCV002161894.1), dbSNP rs1769676759, ClinGen allele CA2580074556.
Genomic context (GRCh38, chr6:42,964,784, plus strand): 5'-GGACTCAGGTGCACCCAGCTCCCCACTAGCTTTTTGGTTGACCTCTCAGACCGGCAAGTG[G>A]CTCACCTTCCTCCAGGTCATGAACCCTGCGTTTGAGGGCAGCTGTCATAGCATCAGAGCA-3'

ClinVar aggregate classification (germline): Uncertain significance (1 of 4 stars; one submission).

Conditions:
Peroxisome biogenesis disorder. Identifiers: Orphanet 79189, MedGen C1832200, MONDO:0019234. Disease mechanism: loss of function.

Submission:

Labcorp Genetics (formerly Invitae), Labcorp
Classification: Uncertain significance for Peroxisome biogenesis disorder. Last evaluated: 2022-03-25. Review status: criteria provided, single submitter. Criteria: Invitae Variant Classification Sherloc (09022015). Collection method: clinical testing. Allele origin: germline.
Comment: This sequence change falls in intron 16 of the PEX6 gene. It does not directly change the encoded amino acid sequence of the PEX6 protein. It affects a nucleotide within the consensus splice site. This variant is not present in population databases (gnomAD no frequency). This variant has not been reported in the literature in individuals affected with PEX6-related conditions. Variants that disrupt the consensus splice site are a relatively common cause of aberrant splicing (PMID: 17576681, 9536098). Algorithms developed to predict the effect of sequence changes on RNA splicing suggest that this variant is not likely to affect RNA splicing. In summary, the available evidence is currently insufficient to determine the role of this variant in disease. Therefore, it has been classified as a Variant of Uncertain Significance.

Literature cited by the submitters: PubMed 17576681; PubMed 9536098.